The following is an entry in ClinVar:

NM_020340.5(ARFGEF3):c.2065T>G (p.Ser689Ala)

Gene: ARFGEF3 (ARFGEF family member 3; plus strand). Cytogenetic location: 6q23.3.
Variant type: single nucleotide variant.
Coding change: c.2065T>G on transcript NM_020340.5 (MANE Select); coding-DNA position 2065, T replaced by G.
Protein change: p.Ser689Ala; replaces serine 689 with alanine.
Molecular consequence: missense variant.
Genome position (GRCh38, 1-based): chr6:138,263,548, T>G. VCF-style: chr6-138263548-T-G. GRCh37 (hg19) VCF-style: chr6-138584685-T-G.
Other names: short protein forms S689A.
Identifiers: ClinVar variation 3060331 (VCV003060331.2), dbSNP rs7764091, ClinGen allele CA4020704.
Genomic context (GRCh38, chr6:138,263,548, plus strand): 5'-GATCAGCACAGCGCCAGGCTGTTCATACAGTCCCTGGAAGGCCTCCTCCCTCGGCTCCTG[T>G]CTCTCTCCAATGTAGAGGAGGTGGACACCGCTCTGCAGAACTTTGCCTCTACTTTCTGCT-3'
Protein context (NP_065073.3, residues 679-699): SLEGLLPRLL[Ser689Ala]LSNVEEVDTA

ClinVar aggregate classification (germline): Benign (0 of 4 stars; one submission).

Conditions:
ARFGEF3-related disorder. Also called: ARFGEF3-related condition.

Allele frequency attached by ClinVar (database versions not stated): ExAC 0.16591; ESP Exome Variant Server 0.22241; gnomAD 0.22900; TOPMed 0.24702; 1000 Genomes Project 0.29692; 1000 Genomes Project 30x 0.30122.
gnomAD v4.1: 200,929 of 1,612,646 alleles (12%); highest among the groups gnomAD compares: African/African-American, 51%; 21,229 homozygotes.

Submission:

PreventionGenetics, part of Exact Sciences
Classification: Benign for ARFGEF3-related condition. Last evaluated: 2019-10-30. Review status: no assertion criteria provided. Collection method: clinical testing. Allele origin: germline.
Comment: This variant is classified as benign based on ACMG/AMP sequence variant interpretation guidelines (Richards et al. 2015 PMID: 25741868, with internal and published modifications).